The following is an entry in ClinVar:

NM_004629.2(FANCG):c.1471_1473delinsG (p.Lys491fs)

Gene: FANCG (FA complementation group G; minus strand). Cytogenetic location: 9p13.3.
Variant type: Indel.
Coding change: c.1471_1473delinsG on transcript NM_004629.2 (MANE Select); coding-DNA positions 1471 to 1473, AAA replaced by G.
Protein change: p.Lys491fs; shifts the reading frame from lysine 491.
Molecular consequence: frameshift variant.
Genome position (GRCh38, 1-based): chr9:35,075,286-35,075,288, TTT replaced by C on the plus strand (AAA replaced by G on the coding strand, the reverse complement: FANCG is on the minus strand). VCF-style: chr9-35075286-TTT-C. GRCh37 (hg19) VCF-style: chr9-35075283-TTT-C.
Other names: short protein forms K491fs.
Identifiers: ClinVar variation 2675574 (VCV002675574.4), dbSNP rs2490396654, ClinGen allele CA2695201564.
Genomic context (GRCh38, chr9:35,075,286, plus strand): 5'-TTCCACCACTACCACTTCCAGGAGGTAAGAGGAAAACTGAAAGTTTAGATCACCTTGTTC[TTT>C]TTCCTCAGGTGTGGCCCGGAAGAGCAGCTCGAGGCACCTGAAGTAGGACACAGAACAGGG-3'

ClinVar aggregate classification (germline): Pathogenic. Review status: criteria provided, multiple submitters, no conflicts (2 of 4 stars). 3 submissions from 3 submitters: Pathogenic (3). Last evaluated 2025-05-16.

Conditions:
Fanconi anemia (FA). Also called: Fanconi's anemia. Identifiers: Orphanet 84, MedGen C0015625, MeSH D005199, MONDO:0019391.
Fanconi anemia complementation group G. Also called: Fanconi anemia group G; FANCG-Related Fanconi Anemia. Identifiers: Orphanet 84, MedGen C3469527, MONDO:0013565, OMIM 614082.

Submissions (3):

Women's Health and Genetics/Laboratory Corporation of America, LabCorp
Classification: Pathogenic for Fanconi anemia. Last evaluated: 2025-05-16. Review status: criteria provided, single submitter. Criteria: LabCorp Variant Classification Summary - May 2015. Collection method: clinical testing. Allele origin: germline.
Comment: Variant summary: FANCG c.1471_1473delinsG (p.Lys491GlyfsX9) results in a premature termination codon, predicted to cause a truncation of the encoded protein or absence of the protein due to nonsense mediated decay, which are commonly known mechanisms for disease. The variant was absent in 1607200 control chromosomes. c.1471_1473delinsG has been observed in individuals affected with Fanconi Anemia (e.g. Thompson_2021). These data indicate that the variant is likely to be associated with disease. To our knowledge, no experimental evidence demonstrating an impact on protein function has been reported. The following publication has been ascertained in the context of this evaluation (PMID: 33960719). ClinVar contains an entry for this variant (Variation ID: 2675574). Based on the evidence outlined above, the variant was classified as pathogenic.

Labcorp Genetics (formerly Invitae), Labcorp
Classification: Pathogenic for Fanconi anemia. Last evaluated: 2024-11-30. Review status: criteria provided, single submitter. Criteria: Invitae Variant Classification Sherloc (09022015). Collection method: clinical testing. Allele origin: germline.
Comment: This sequence change creates a premature translational stop signal (p.Lys491Glyfs*9) in the FANCG gene. It is expected to result in an absent or disrupted protein product. Loss-of-function variants in FANCG are known to be pathogenic (PMID: 12552564). Information on the frequency of this variant in the gnomAD database is not available, as this variant may be reported differently in the database. This variant has not been reported in the literature in individuals affected with FANCG-related conditions. ClinVar contains an entry for this variant (Variation ID: 2893483). For these reasons, this variant has been classified as Pathogenic.

Baylor Genetics
Classification: Pathogenic for Fanconi anemia complementation group G. Last evaluated: 2023-07-21. Review status: criteria provided, single submitter. Criteria: ACMG Guidelines, 2015. Collection method: clinical testing. Allele origin: unknown.

Literature cited by the submitters: PubMed 33960719 (cited by Women's Health and Genetics/Laboratory Corporation of America, LabCorp); PubMed 12552564 (cited by Labcorp Genetics (formerly Invitae), Labcorp).